The following is an entry in ClinVar:

NM_001367624.2(ZNF469):c.2389T>C (p.Phe797Leu)

Gene: ZNF469 (zinc finger protein 469; plus strand). Cytogenetic location: 16q24.2.
Variant type: single nucleotide variant.
Coding change: c.2389T>C on transcript NM_001367624.2 (MANE Select); coding-DNA position 2389, T replaced by C.
Protein change: p.Phe797Leu; replaces phenylalanine 797 with leucine.
Molecular consequence: missense variant.
Genome position (GRCh38, 1-based): chr16:88,429,859, T>C. VCF-style: chr16-88429859-T-C. GRCh37 (hg19) VCF-style: chr16-88496267-T-C.
Other names: NM_001127464.1:c.2389T>C; short protein forms F797L.
Identifiers: ClinVar variation 2109228 (VCV002109228.3), dbSNP rs1301271460, ClinGen allele CA397071766.

ClinVar aggregate classification (germline): Uncertain significance. Review status: criteria provided, multiple submitters, no conflicts (2 of 4 stars). 2 submissions from 2 submitters: Uncertain significance (2). Last evaluated 2023-06-01.

Conditions:
Cardiovascular phenotype. Identifiers: MedGen CN230736.

Allele frequency attached by ClinVar (database versions not stated): gnomAD 0.00001; gnomAD exomes 0.00001.
gnomAD v4.1: 19 of 1,549,640 alleles (0.0012%); highest among the groups gnomAD compares: Non-Finnish European, 0.0017%; no homozygotes.

Submissions (2):

Ambry Genetics
Classification: Uncertain significance for Cardiovascular phenotype. Last evaluated: 2023-06-01. Review status: criteria provided, single submitter. Criteria: Ambry Variant Classification Scheme 2023. Collection method: clinical testing. Allele origin: germline.
Comment: The p.F797L variant (also known as c.2389T>C), located in coding exon 1 of the ZNF469 gene, results from a T to C substitution at nucleotide position 2389. The phenylalanine at codon 797 is replaced by leucine, an amino acid with highly similar properties. This amino acid position is conserved. In addition, this alteration is predicted to be tolerated by in silico analysis. Since supporting evidence is limited at this time, the clinical significance of this alteration remains unclear.

Labcorp Genetics (formerly Invitae), Labcorp
Classification: Uncertain significance. Last evaluated: 2022-03-11. Review status: criteria provided, single submitter. Criteria: Invitae Variant Classification Sherloc (09022015). Collection method: clinical testing. Allele origin: germline.
Comment: This sequence change replaces phenylalanine, which is neutral and non-polar, with leucine, which is neutral and non-polar, at codon 797 of the ZNF469 protein (p.Phe797Leu). This variant is present in population databases (no rsID available, gnomAD 0.007%). This variant has not been reported in the literature in individuals affected with ZNF469-related conditions. Algorithms developed to predict the effect of missense changes on protein structure and function output the following: SIFT: "Deleterious"; PolyPhen-2: "Benign"; Align-GVGD: "Class C0". The leucine amino acid residue is found in multiple mammalian species, which suggests that this missense change does not adversely affect protein function. In summary, the available evidence is currently insufficient to determine the role of this variant in disease. Therefore, it has been classified as a Variant of Uncertain Significance.